The following is an entry in ClinVar:

ClinVar aggregate classification (germline): Uncertain significance (1 of 4 stars; one submission).

Conditions:
Ellis-van Creveld syndrome (EVC). Also called: MESOECTODERMAL DYSPLASIA; EVC-Related Ellis-van Creveld Syndrome; EVC2-Related Ellis-van Creveld Syndrome; Chondroectodermal dysplasia. Identifiers: Orphanet 289, MedGen C0013903, MONDO:0009162, OMIM 225500.
Curry-Hall syndrome (WAD). Also called: WEYERS ACRODENTAL DYSOSTOSIS. Identifiers: Orphanet 952, MedGen C0457013, MONDO:0008673, OMIM 193530.

gnomAD v4.1: 1 of 1,614,118 alleles (0.000062%); highest among the groups gnomAD compares: Non-Finnish European, 0.000085%; no homozygotes.

Submission:

Labcorp Genetics (formerly Invitae), Labcorp
Classification: Uncertain significance for Curry-Hall syndrome; Ellis-van Creveld syndrome. Last evaluated: 2025-06-16. Review status: criteria provided, single submitter. Criteria: Invitae Variant Classification Sherloc (09022015). Collection method: clinical testing. Allele origin: germline.
Comment: This sequence change replaces glutamic acid, which is acidic and polar, with lysine, which is basic and polar, at codon 489 of the EVC2 protein (p.Glu489Lys). This variant is not present in population databases (gnomAD no frequency). This variant has not been reported in the literature in individuals affected with EVC2-related conditions. An algorithm developed to predict the effect of missense changes on protein structure and function (PolyPhen-2) suggests that this variant is likely to be disruptive. Algorithms developed to predict the effect of sequence changes on RNA splicing suggest that this variant may disrupt the consensus splice site. In summary, the available evidence is currently insufficient to determine the role of this variant in disease. Therefore, it has been classified as a Variant of Uncertain Significance.

NM_147127.5(EVC2):c.1465G>A (p.Glu489Lys)

Genes: EVC2 (EvC ciliary complex subunit 2; minus strand), LOC126806961 (BRD4-independent group 4 enhancer GRCh37_chr4:5641443-5642642; plus strand). Cytogenetic location: 4p16.2.
Variant type: single nucleotide variant.
Coding change: c.1465G>A on transcript NM_147127.5 (MANE Select); coding-DNA position 1465, G replaced by A.
Protein change: p.Glu489Lys; replaces glutamic acid 489 with lysine.
Molecular consequence: missense variant.
Genome position (GRCh38, 1-based): chr4:5,640,519, C>T on the plus strand (G>A on the coding strand, the complement: EVC2 is on the minus strand). VCF-style: chr4-5640519-C-T. GRCh37 (hg19) VCF-style: chr4-5642246-C-T.
Other names: c.1225G>A, p.Glu409Lys (NM_001166136.2); short protein forms E489K, E409K.
Identifiers: ClinVar variation 4793054 (VCV004793054.1).
Genomic context (GRCh38, chr4:5,640,519, plus strand): 5'-TGACAAATCCCTGAGAGAAAGGGAAGTGAACGCCTTCCTTTCAGACCTGTCTTACCCTCT[C>T]ACCAGCACGTTTCAGCAACTCTTCTGCTTCCTCCATTGCCATCATCTCTCTCTGGTACTG-3'
Protein context (NP_667338.3, residues 479-499): EAEELLKRAG[Glu489Lys]RSAVECSNLL